The following is an entry in ClinVar:

NM_032608.7(MYO18B):c.4817A>G (p.Gln1606Arg)

Genes: MYO18B (myosin XVIIIB; plus strand), MYO18B-AS1 (MYO18B antisense RNA 1; minus strand). Cytogenetic location: 22q12.1.
Variant type: single nucleotide variant.
Coding change: c.4817A>G on transcript NM_032608.7 (MANE Select); coding-DNA position 4817, A replaced by G.
Protein change: p.Gln1606Arg; replaces glutamine 1606 with arginine.
Molecular consequence: missense variant.
Genome position (GRCh38, 1-based): chr22:25,898,455, A>G. VCF-style: chr22-25898455-A-G. GRCh37 (hg19) VCF-style: chr22-26294422-A-G.
Other names: c.4820A>G, p.Gln1607Arg (NM_001318245.2); short protein forms Q1606R, Q1607R.
Identifiers: ClinVar variation 2086227 (VCV002086227.4), dbSNP rs2517837870, ClinGen allele CA411011159.
Genomic context (GRCh38, chr22:25,898,455, plus strand): 5'-AGGATACCTGCGTCCTGCTAGAGAACCAACAAAGTCGAAACCATGAGCTGGAGAAGAAGC[A>G]GAAGAAGTGAGTTGCATCTCTCACCATCACCTGGGCTGCCAGGGTGGGCTACATTGGAGC-3'
Protein context (NP_115997.5, residues 1596-1616): QSRNHELEKK[Gln1606Arg]KKFDLQLAQA

ClinVar aggregate classification (germline): Uncertain significance (1 of 4 stars; one submission).

Submission:

Labcorp Genetics (formerly Invitae), Labcorp
Classification: Uncertain significance. Last evaluated: 2023-08-04. Review status: criteria provided, single submitter. Criteria: Invitae Variant Classification Sherloc (09022015). Collection method: clinical testing. Allele origin: germline.
Comment: This sequence change replaces glutamine, which is neutral and polar, with arginine, which is basic and polar, at codon 1606 of the MYO18B protein (p.Gln1606Arg). This variant is not present in population databases (gnomAD no frequency). This variant has not been reported in the literature in individuals affected with MYO18B-related conditions. ClinVar contains an entry for this variant (Variation ID: 2086227). An algorithm developed to predict the effect of missense changes on protein structure and function (PolyPhen-2) suggests that this variant is likely to be disruptive. In summary, the available evidence is currently insufficient to determine the role of this variant in disease. Therefore, it has been classified as a Variant of Uncertain Significance.